The following is an entry in ClinVar:

ClinVar aggregate classification (germline): Uncertain significance. Review status: criteria provided, multiple submitters, no conflicts (2 of 4 stars). 3 submissions from 3 submitters: Uncertain significance (3). Last evaluated 2024-02-11.

Conditions:
Hereditary cancer-predisposing syndrome. Also called: Neoplastic Syndromes, Hereditary; Hereditary Cancer Syndrome; Hereditary neoplastic syndrome; Tumor predisposition. Identifiers: Orphanet 140162, MedGen C0027672, MeSH D009386, MONDO:0015356.
Cardiovascular phenotype. Identifiers: MedGen CN230736.
Neurofibromatosis, type 1 (NF1). Also called: Neurofibromatosis, type I; Peripheral type neurofibromatosis; VON RECKLINGHAUSEN DISEASE; NEUROFIBROMATOSIS, TYPE I, SOMATIC. Identifiers: Orphanet 636, MedGen C0027831, MONDO:0018975, OMIM 162200. Disease mechanism: loss of function.

Submissions (3):

Labcorp Genetics (formerly Invitae), Labcorp
Classification: Uncertain significance for Neurofibromatosis, type 1. Last evaluated: 2024-02-11. Review status: criteria provided, single submitter. Criteria: Invitae Variant Classification Sherloc (09022015). Collection method: clinical testing. Allele origin: germline.
Comment: This sequence change replaces asparagine, which is neutral and polar, with aspartic acid, which is acidic and polar, at codon 2364 of the NF1 protein (p.Asn2364Asp). This variant is not present in population databases (gnomAD no frequency). This variant has not been reported in the literature in individuals affected with NF1-related conditions. ClinVar contains an entry for this variant (Variation ID: 826829). Advanced modeling of protein sequence and biophysical properties (such as structural, functional, and spatial information, amino acid conservation, physicochemical variation, residue mobility, and thermodynamic stability) performed at Invitae indicates that this missense variant is not expected to disrupt NF1 protein function with a negative predictive value of 95%. In summary, the available evidence is currently insufficient to determine the role of this variant in disease. Therefore, it has been classified as a Variant of Uncertain Significance.

Ambry Genetics
Classification: Uncertain significance for Cardiovascular phenotype; Hereditary cancer-predisposing syndrome. Last evaluated: 2023-09-22. Review status: criteria provided, single submitter. Criteria: Ambry Variant Classification Scheme 2023. Collection method: clinical testing. Allele origin: germline.
Comment: The p.N2364D variant (also known as c.7090A>G), located in coding exon 47 of the NF1 gene, results from an A to G substitution at nucleotide position 7090. The asparagine at codon 2364 is replaced by aspartic acid, an amino acid with highly similar properties. This amino acid position is highly conserved in available vertebrate species. In addition, this alteration is predicted to be tolerated by in silico analysis. Since supporting evidence is limited at this time, the clinical significance of this alteration remains unclear.

GeneDx
Classification: Uncertain significance. Last evaluated: 2023-03-06. Review status: criteria provided, single submitter. Criteria: GeneDx Variant Classification Process June 2021. Collection method: clinical testing. Allele origin: germline. Affected: yes.
Comment: Not observed at significant frequency in large population cohorts (gnomAD); In silico analysis supports that this missense variant has a deleterious effect on protein structure/function; Has not been previously published as pathogenic or benign to our knowledge; This variant is associated with the following publications: (PMID: 25486365)

NM_001042492.3(NF1):c.7153A>G (p.Asn2385Asp)

Gene: NF1 (neurofibromin 1; plus strand). Cytogenetic location: 17q11.2.
Variant type: single nucleotide variant.
Coding change: c.7153A>G on transcript NM_001042492.3 (MANE Select); coding-DNA position 7153, A replaced by G.
Protein change: p.Asn2385Asp; replaces asparagine 2385 with aspartic acid.
Molecular consequence: missense variant.
Genome position (GRCh38, 1-based): chr17:31,343,099, A>G. VCF-style: chr17-31343099-A-G. GRCh37 (hg19) VCF-style: chr17-29670117-A-G.
Other names: c.7090A>G, p.Asn2364Asp (NM_000267.4); short protein forms N2364D, N2385D.
Identifiers: ClinVar variation 826829 (VCV000826829.6), dbSNP rs1597851405, ClinGen allele CA399015707.